The following is an entry in ClinVar:

NM_001291088.2(WDR87):c.2641G>C (p.Glu881Gln)

Gene: WDR87 (WD repeat domain 87; minus strand). Cytogenetic location: 19q13.13.
Variant type: single nucleotide variant.
Coding change: c.2641G>C on transcript NM_001291088.2 (MANE Select); coding-DNA position 2641, G replaced by C.
Protein change: p.Glu881Gln; replaces glutamic acid 881 with glutamine.
Molecular consequence: missense variant.
Genome position (GRCh38, 1-based): chr19:37,893,062, C>G on the plus strand (G>C on the coding strand, the complement: WDR87 is on the minus strand). VCF-style: chr19-37893062-C-G. GRCh37 (hg19) VCF-style: chr19-38383702-C-G.
Other names: c.2524G>C (NM_031951.3); c.2524G>C, p.Glu842Gln (NM_031951.5); short protein forms E842Q, E881Q.
Identifiers: ClinVar variation 1449463 (VCV001449463.8), dbSNP rs1218212675, ClinGen allele CA405614965.

ClinVar aggregate classification (germline): Uncertain significance. Review status: criteria provided, multiple submitters, no conflicts (2 of 4 stars). 2 submissions from 2 submitters: Uncertain significance (2). Last evaluated 2025-11-12.

Allele frequency attached by ClinVar (database versions not stated): gnomAD exomes below 0.00001 and 0.00001.
gnomAD v4.1: 10 of 1,551,636 alleles (0.00064%); highest among the groups gnomAD compares: Admixed American, 0.018%; no homozygotes.

Submissions (2):

Ambry Genetics
Classification: Uncertain significance. Last evaluated: 2025-11-12. Review status: criteria provided, single submitter. Criteria: Ambry Variant Classification Scheme 2023. Collection method: clinical testing. Allele origin: germline.

Labcorp Genetics (formerly Invitae), Labcorp
Classification: Uncertain significance. Last evaluated: 2025-03-20. Review status: criteria provided, single submitter. Criteria: Invitae Variant Classification Sherloc (09022015). Collection method: clinical testing. Allele origin: germline.
Comment: This sequence change replaces glutamic acid, which is acidic and polar, with glutamine, which is neutral and polar, at codon 842 of the WDR87 protein (p.Glu842Gln). This variant is present in population databases (no rsID available, gnomAD 0.004%). This variant has not been reported in the literature in individuals affected with WDR87-related conditions. ClinVar contains an entry for this variant (Variation ID: 1449463). An algorithm developed to predict the effect of missense changes on protein structure and function (PolyPhen-2) suggests that this variant is likely to be tolerated. In summary, the available evidence is currently insufficient to determine the role of this variant in disease. Therefore, it has been classified as a Variant of Uncertain Significance.